The following is an entry in ClinVar:

ClinVar aggregate classification (germline): Pathogenic (1 of 4 stars; one submission).

Conditions:
Beckwith-Wiedemann syndrome (BWS). Also called: EMG SYNDROME; Exomphalos macroglossia gigantism syndrome. Identifiers: Orphanet 116, MedGen C0004903, MONDO:0007534, OMIM 130650.

Submission:

Labcorp Genetics (formerly Invitae), Labcorp
Classification: Pathogenic for Beckwith-Wiedemann syndrome. Last evaluated: 2017-09-07. Review status: criteria provided, single submitter. Criteria: Invitae Variant Classification Sherloc (09022015). Collection method: clinical testing. Allele origin: germline.
Comment: A gross deletion of the genomic region encompassing the full coding sequence of the NSD1 gene has been identified. The boundaries of this event are unknown as the deletion extends beyond the assayed region for this gene and therefore may encompass additional genes. Similar deletions encompassing the entire NSD1 gene have been reported in many individuals affected with Sotos syndrome (PMID: 18505455, 21597970, 25608832). Loss-of-function variants in NSD1 are known to be pathogenic (PMID: 12464997, 14571271, 15942875, 16247291). For these reasons, this variant has been classified as Pathogenic.

Literature cited by the submitters: PubMed 21597970; PubMed 18505455; PubMed 25608832.

NC_000005.10:g.(?_177135084)_(177295479_?)del

Genes: NSD1 (nuclear receptor binding SET domain protein 1; plus strand), LOC126807619 (MED14-independent group 3 enhancer GRCh37_chr5:176696443-176697642; plus strand), LOC129995362 (ATAC-STARR-seq lymphoblastoid silent region 16676; plus strand). Cytogenetic location: 5q35.3.
Variant type: Deletion.
Identifiers: ClinVar variation 453987 (VCV000453987.1).